The following is an entry in ClinVar:

NM_030962.4(SBF2):c.1906C>A (p.Pro636Thr)

Genes: SBF2 (SET binding factor 2; minus strand), LOC101928008 (uncharacterized LOC101928008; plus strand). Cytogenetic location: 11p15.4.
Variant type: single nucleotide variant.
Coding change: c.1906C>A on transcript NM_030962.4 (MANE Select); coding-DNA position 1906, C replaced by A.
Protein change: p.Pro636Thr; replaces proline 636 with threonine.
Molecular consequence: missense variant.
Genome position (GRCh38, 1-based): chr11:9,895,966, G>T on the plus strand (C>A on the coding strand, the complement: SBF2 is on the minus strand). VCF-style: chr11-9895966-G-T. GRCh37 (hg19) VCF-style: chr11-9917513-G-T.
Other names: c.1906C>A, p.Pro636Thr (NM_001386339.1); c.1777C>A, p.Pro593Thr (NM_001386342.1); short protein forms P593T, P636T.
Identifiers: ClinVar variation 1982268 (VCV001982268.1), dbSNP rs1170697086, ClinGen allele CA379646301.

ClinVar aggregate classification (germline): Uncertain significance (1 of 4 stars; one submission).

Conditions:
Charcot-Marie-Tooth disease type 4. Also called: Charcot-Marie-Tooth, Type 4; Charcot-Marie-Tooth disease, type IV. Identifiers: Orphanet 64749, MedGen C4082197, MONDO:0018995.

Allele frequency attached by ClinVar (database versions not stated): TOPMed below 0.00001; gnomAD exomes 0.00001.
gnomAD v4.1: 17 of 1,613,076 alleles (0.0011%); highest among the groups gnomAD compares: Non-Finnish European, 0.0014%; no homozygotes.

Submission:

Labcorp Genetics (formerly Invitae), Labcorp
Classification: Uncertain significance for Charcot-Marie-Tooth disease type 4. Last evaluated: 2022-06-09. Review status: criteria provided, single submitter. Criteria: Invitae Variant Classification Sherloc (09022015). Collection method: clinical testing. Allele origin: germline.
Comment: This sequence change replaces proline, which is neutral and non-polar, with threonine, which is neutral and polar, at codon 636 of the SBF2 protein (p.Pro636Thr). This variant is present in population databases (no rsID available, gnomAD 0.0009%). This variant has not been reported in the literature in individuals affected with SBF2-related conditions. Algorithms developed to predict the effect of missense changes on protein structure and function are either unavailable or do not agree on the potential impact of this missense change (SIFT: "Tolerated"; PolyPhen-2: "Probably Damaging"; Align-GVGD: "Class C0"). In summary, the available evidence is currently insufficient to determine the role of this variant in disease. Therefore, it has been classified as a Variant of Uncertain Significance.